The following is an entry in ClinVar:

NM_004924.6(ACTN4):c.1868G>T (p.Trp623Leu)

Gene: ACTN4 (actinin alpha 4; plus strand). Cytogenetic location: 19q13.2.
Variant type: single nucleotide variant.
Coding change: c.1868G>T on transcript NM_004924.6 (MANE Select); coding-DNA position 1868, G replaced by T.
Protein change: p.Trp623Leu; replaces tryptophan 623 with leucine.
Molecular consequence: missense variant.
Genome position (GRCh38, 1-based): chr19:38,724,332, G>T. VCF-style: chr19-38724332-G-T. GRCh37 (hg19) VCF-style: chr19-39214972-G-T.
Other names: c.1868G>T, p.Trp623Leu (NM_001322033.2); short protein forms W623L.
Identifiers: ClinVar variation 446784 (VCV000446784.11), dbSNP rs368256210, ClinGen allele CA9417797.

ClinVar aggregate classification (germline): Uncertain significance. Review status: criteria provided, multiple submitters, no conflicts (2 of 4 stars). 4 submissions from 4 submitters: Uncertain significance (4). Last evaluated 2025-06-12.

Conditions:
Inborn genetic diseases. Identifiers: MedGen C0950123, MeSH D030342.
Focal segmental glomerulosclerosis 1 (FSGS1). Identifiers: Orphanet 656, MedGen C4551527, MONDO:0011303, OMIM 603278.

Allele frequency attached by ClinVar (database versions not stated): gnomAD exomes 0.00002 and 0.00004; ExAC 0.00003; gnomAD 0.00006; ESP Exome Variant Server 0.00008; TOPMed 0.00008.

Submissions (4):

Labcorp Genetics (formerly Invitae), Labcorp
Classification: Uncertain significance. Last evaluated: 2025-06-12. Review status: criteria provided, single submitter. Criteria: Invitae Variant Classification Sherloc (09022015). Collection method: clinical testing. Allele origin: germline.
Comment: This sequence change replaces tryptophan, which is neutral and slightly polar, with leucine, which is neutral and non-polar, at codon 623 of the ACTN4 protein (p.Trp623Leu). This variant is present in population databases (rs368256210, gnomAD 0.003%). This variant has not been reported in the literature in individuals affected with ACTN4-related conditions. ClinVar contains an entry for this variant (Variation ID: 446784). Invitae Evidence Modeling of protein sequence and biophysical properties (such as structural, functional, and spatial information, amino acid conservation, physicochemical variation, residue mobility, and thermodynamic stability) indicates that this missense variant is expected to disrupt ACTN4 protein function with a positive predictive value of 80%. In summary, the available evidence is currently insufficient to determine the role of this variant in disease. Therefore, it has been classified as a Variant of Uncertain Significance.

Fulgent Genetics
Classification: Uncertain significance for Focal segmental glomerulosclerosis 1. Last evaluated: 2024-05-18. Review status: criteria provided, single submitter. Criteria: ACMG Guidelines, 2015. Collection method: clinical testing. Allele origin: germline.

Ambry Genetics
Classification: Uncertain significance for Inborn genetic diseases. Last evaluated: 2023-08-20. Review status: criteria provided, single submitter. Criteria: Ambry Variant Classification Scheme 2023. Collection method: clinical testing. Allele origin: germline.

Athena Diagnostics
Classification: Uncertain significance. Last evaluated: 2017-02-10. Review status: criteria provided, single submitter. Criteria: Athena Diagnostics Criteria. Collection method: clinical testing. Allele origin: germline.